The following is an entry in ClinVar:

ClinVar aggregate classification (germline): Uncertain significance. Review status: criteria provided, multiple submitters, no conflicts (2 of 4 stars). 2 submissions from 2 submitters: Uncertain significance (2). Last evaluated 2025-01-13.

Allele frequency attached by ClinVar (database versions not stated): ExAC 0.00001.

Submissions (2):

Labcorp Genetics (formerly Invitae), Labcorp
Classification: Uncertain significance. Last evaluated: 2025-01-13. Review status: criteria provided, single submitter. Criteria: Invitae Variant Classification Sherloc (09022015). Collection method: clinical testing. Allele origin: germline.
Comment: This sequence change replaces proline, which is neutral and non-polar, with leucine, which is neutral and non-polar, at codon 669 of the NEFH protein (p.Pro669Leu). This variant is not present in population databases (gnomAD no frequency). This variant has not been reported in the literature in individuals affected with NEFH-related conditions. ClinVar contains an entry for this variant (Variation ID: 1392682). Invitae Evidence Modeling of protein sequence and biophysical properties (such as structural, functional, and spatial information, amino acid conservation, physicochemical variation, residue mobility, and thermodynamic stability) indicates that this missense variant is not expected to disrupt NEFH protein function with a negative predictive value of 95%. In summary, the available evidence is currently insufficient to determine the role of this variant in disease. Therefore, it has been classified as a Variant of Uncertain Significance.

CeGaT Center for Human Genetics Tuebingen
Classification: Uncertain significance. Last evaluated: 2022-04-01. Review status: criteria provided, single submitter. Criteria: CeGaT Center For Human Genetics Tuebingen Variant Classification Criteria Version 2. Collection method: clinical testing. Allele origin: germline. Affected: yes. Observed: 1 variant allele.
Comment: NEFH: PM2, PP4

NM_021076.4(NEFH):c.2006C>T (p.Pro669Leu)

Gene: NEFH (neurofilament heavy chain; plus strand). Cytogenetic location: 22q12.2.
Variant type: single nucleotide variant.
Coding change: c.2006C>T on transcript NM_021076.4 (MANE Select); coding-DNA position 2006, C replaced by T.
Protein change: p.Pro669Leu; replaces proline 669 with leucine.
Molecular consequence: missense variant.
Genome position (GRCh38, 1-based): chr22:29,489,646, C>T. VCF-style: chr22-29489646-C-T. GRCh37 (hg19) VCF-style: chr22-29885635-C-T.
Other names: short protein forms P669L.
Identifiers: ClinVar variation 1392682 (VCV001392682.36), dbSNP rs778901669, ClinGen allele CA10174326.